The following is an entry in ClinVar:

NM_144999.4(LRRC45):c.1877G>C (p.Arg626Pro)

Gene: LRRC45 (leucine rich repeat containing 45; plus strand). Cytogenetic location: 17q25.3.
Variant type: single nucleotide variant.
Coding change: c.1877G>C on transcript NM_144999.4 (MANE Select); coding-DNA position 1877, G replaced by C.
Protein change: p.Arg626Pro; replaces arginine 626 with proline.
Molecular consequence: missense variant.
Genome position (GRCh38, 1-based): chr17:82,030,669, G>C. VCF-style: chr17-82030669-G-C. GRCh37 (hg19) VCF-style: chr17-79988545-G-C.
Other names: short protein forms R626P.
Identifiers: ClinVar variation 4985633 (VCV004985633.1).

ClinVar aggregate classification (germline): Uncertain significance (1 of 4 stars; one submission).

Conditions:
LRRC45-related disorder. Also called: LRRC45-related condition.

gnomAD v4.1: 1 of 1,466,328 alleles (0.000068%); highest among the groups gnomAD compares: Non-Finnish European, 0.000091%; no homozygotes.

Submission:

PreventionGenetics, part of Exact Sciences
Classification: Uncertain significance for LRRC45-related condition. Last evaluated: 2025-09-16. Review status: criteria provided, single submitter. Criteria: ACMG Guidelines, 2015. Collection method: clinical testing. Allele origin: germline.
Comment: The LRRC45 c.1877G>C variant is predicted to result in the amino acid substitution p.Arg626Pro. To our knowledge, this variant has not been reported in the literature or in a large population database (gnomAD), indicating this variant is rare. At this time, the clinical significance of this variant is uncertain due to the absence of conclusive functional and genetic evidence.